The following is an entry in ClinVar:

ClinVar aggregate classification (germline): Conflicting classifications of pathogenicity. Review status: criteria provided, conflicting classifications (1 of 4 stars). 4 submissions from 4 submitters: Uncertain significance (3); Likely benign (1). Last evaluated 2026-01-19.

Conditions:
Cardiomyopathy (CMYO). Also called: Cardiomyopathies. Identifiers: Orphanet 167848, MedGen C0878544, MONDO:0004994, HP:0001638. Inheritance: Various modes of inheritance.
Cardiovascular phenotype. Identifiers: MedGen CN230736.
Arrhythmogenic right ventricular dysplasia 8 (ARVD8). Also called: Arrhythmogenic Right Ventricular Dysplasia/Cardiomyopathy 8; ARRHYTHMOGENIC RIGHT VENTRICULAR DYSPLASIA, FAMILIAL, 8; ARRHYTHMOGENIC RIGHT VENTRICULAR CARDIOMYOPATHY 8. Identifiers: MedGen C1843896, MONDO:0011831, OMIM 607450.
Arrhythmogenic cardiomyopathy with wooly hair and keratoderma. Also called: PALMOPLANTAR KERATODERMA WITH LEFT VENTRICULAR CARDIOMYOPATHY AND WOOLLY HAIR; Carvajal syndrome; Dilated cardiomyopathy with woolly hair and keratoderma; Arrhythmogenic cardiomyopathy with woolly hair and keratoderma. Identifiers: Orphanet 65282, MedGen C1854063, MONDO:0011581, OMIM 605676.

Allele frequency attached by ClinVar (database versions not stated): gnomAD exomes 0.00001; gnomAD 0.00002; ExAC 0.00003; 1000 Genomes Project 30x 0.00047; 1000 Genomes Project 0.00060.

Submissions (4):

Labcorp Genetics (formerly Invitae), Labcorp
Classification: Likely benign for Arrhythmogenic cardiomyopathy with wooly hair and keratoderma; Arrhythmogenic right ventricular dysplasia 8. Last evaluated: 2026-01-19. Review status: criteria provided, single submitter. Criteria: Invitae Variant Classification Sherloc (09022015). Collection method: clinical testing. Allele origin: germline.

Color Diagnostics, LLC DBA Color Health
Classification: Uncertain significance for Cardiomyopathy. Last evaluated: 2024-03-06. Review status: criteria provided, single submitter. Criteria: ACMG Guidelines, 2015. Collection method: clinical testing. Allele origin: germline.
Comment: This missense variant replaces isoleucine with valine at codon 1556 of the DSP protein. Computational prediction suggests that this variant may not impact protein structure and function (internally defined REVEL score threshold <= 0.5, PMID: 27666373). To our knowledge, functional studies have not been reported for this variant. This variant has not been reported in individuals affected with cardiovascular disorders in the literature. This variant has been identified in 3/250228 chromosomes in the general population by the Genome Aggregation Database (gnomAD). The available evidence is insufficient to determine the role of this variant in disease conclusively. Therefore, this variant is classified as a Variant of Uncertain Significance.

All of Us Research Program, National Institutes of Health
Classification: Uncertain significance for Arrhythmogenic cardiomyopathy with wooly hair and keratoderma. Last evaluated: 2023-05-30. Review status: criteria provided, single submitter. Criteria: ACMG Guidelines, 2015. Collection method: clinical testing. Allele origin: germline. Inheritance: Autosomal dominant inheritance. Observed: 1 variant allele, 1 heterozygote.
Comment: This missense variant replaces isoleucine with valine at codon 1556 of the DSP protein. Computational prediction suggests that this variant may not impact protein structure and function (internally defined REVEL score threshold <= 0.5, PMID: 27666373). To our knowledge, functional studies have not been reported for this variant. This variant has not been reported in individuals affected with cardiovascular disorders in the literature. This variant has been identified in 3/250228 chromosomes in the general population by the Genome Aggregation Database (gnomAD). The available evidence is insufficient to determine the role of this variant in disease conclusively. Therefore, this variant is classified as a Variant of Uncertain Significance.

This study involves interpretation of variants in research participants for the purpose of population health screening. Participant phenotype was not available at the time of variant classification. Additional details can be found in publication PMID: 35346344, PMCID: PMC8962531

Ambry Genetics
Classification: Uncertain significance for Cardiovascular phenotype. Last evaluated: 2022-04-25. Review status: criteria provided, single submitter. Criteria: Ambry Variant Classification Scheme 2023. Collection method: clinical testing. Allele origin: germline.
Comment: The p.I1556V variant (also known as c.4666A>G), located in coding exon 23 of the DSP gene, results from an A to G substitution at nucleotide position 4666. The isoleucine at codon 1556 is replaced by valine, an amino acid with highly similar properties. This amino acid position is conserved. In addition, this alteration is predicted to be tolerated by in silico analysis. Since supporting evidence is limited at this time, the clinical significance of this alteration remains unclear.

NM_004415.4(DSP):c.4666A>G (p.Ile1556Val)

Gene: DSP (desmoplakin; plus strand). Cytogenetic location: 6p24.3.
Variant type: single nucleotide variant.
Coding change: c.4666A>G on transcript NM_004415.4 (MANE Select); coding-DNA position 4666, A replaced by G.
Protein change: p.Ile1556Val; replaces isoleucine 1556 with valine.
Molecular consequence: missense variant. On other transcripts: intron variant (2).
Genome position (GRCh38, 1-based): chr6:7,580,856, A>G. VCF-style: chr6-7580856-A-G. GRCh37 (hg19) VCF-style: chr6-7581089-A-G.
Other names: c.4050+616A>G (NM_001319034.2); c.3582+1084A>G (NM_001008844.3); short protein forms I1556V.
Identifiers: ClinVar variation 925302 (VCV000925302.13), dbSNP rs530647574, ClinGen allele CA042353.